The following is an entry in ClinVar:

NM_014516.4(CNOT3):c.1893_1894del (p.Glu632fs)

Gene: CNOT3 (CCR4-NOT transcription complex subunit 3; plus strand). Cytogenetic location: 19q13.42.
Variant type: Deletion.
Coding change: c.1893_1894del on transcript NM_014516.4 (MANE Select); coding-DNA positions 1893 to 1894, 2 bases deleted (TG; older notation c.1893_1894delTG).
Protein change: p.Glu632fs; shifts the reading frame from glutamic acid 632.
Molecular consequence: frameshift variant.
Genome position (GRCh38, 1-based): chr19:54,152,615-54,152,616, TG deleted. VCF-style (leftmost placement, unchanged base first): chr19-54152614-CTG-C. GRCh37 (hg19) VCF-style: chr19-54656351-CTG-C.
Other names: short protein forms E632fs.
Identifiers: ClinVar variation 3387813 (VCV003387813.1).
Genomic context (GRCh38, chr19:54,152,614, plus strand): 5'-AGCTCTATCAGCAGGCCATGGAAGAGGCCGCCTGGCACCACATGCCTCACCCCTCTGACT[CTG>C]AGCGTATTCGGTGAGGGGCCACAGGGAAGGGGGATGGTCTGGGACTTGAGTCTTACGGAG-3'

ClinVar aggregate classification (germline): Pathogenic (1 of 4 stars; one submission).

Conditions:
Intellectual developmental disorder with speech delay, autism, and dysmorphic facies. Identifiers: MedGen C5231456, MONDO:0032864, OMIM 618672.

Submission:

Cytogenetique et Genetique Moleculaire, CHU Besancon
Classification: Pathogenic for Intellectual developmental disorder with speech delay, autism, and dysmorphic facies. Last evaluated: 2023-08-13. Review status: criteria provided, single submitter. Criteria: ACMG Guidelines, 2015. Collection method: clinical testing. Allele origin: germline. Affected: yes.
Comment: The NM_014516.4:c.1893_1894del variant is an frameshift variant in CNOT3 which is predicted to result in a premature stop codon, and likely results in an absent or disrupted protein product (PVS1). This variant is not present in gnomAD (PM2; v4.1.0). In summary, this variant meets criteria to be classified as pathogenic for CNOT3-related neurodevelopmental disorders based on the ACMG/AMP criteria applied (PVS1 PM2 PM6).